The following is an entry in ClinVar:

NM_004655.4(AXIN2):c.1789G>C (p.Gly597Arg)

Gene: AXIN2 (axin 2; minus strand). Cytogenetic location: 17q24.1.
Variant type: single nucleotide variant.
Coding change: c.1789G>C on transcript NM_004655.4 (MANE Select); coding-DNA position 1789, G replaced by C.
Protein change: p.Gly597Arg; replaces glycine 597 with arginine.
Molecular consequence: missense variant. On other transcripts: intron variant (1).
Genome position (GRCh38, 1-based): chr17:65,536,987, C>G on the plus strand (G>C on the coding strand, the complement: AXIN2 is on the minus strand). VCF-style: chr17-65536987-C-G. GRCh37 (hg19) VCF-style: chr17-63533105-C-G.
Other names: c.1712+337G>C (NM_001363813.1); short protein forms G597R.
Identifiers: ClinVar variation 1007828 (VCV001007828.8), dbSNP rs2043935152, ClinGen allele CA400676616.

ClinVar aggregate classification (germline): Uncertain significance (1 of 4 stars; one submission).

Conditions:
Oligodontia-cancer predisposition syndrome. Also called: TOOTH AGENESIS-COLORECTAL CANCER SYNDROME. Identifiers: Orphanet 300576, MedGen C1837750, MONDO:0012075, OMIM 608615. Disease mechanism: loss of function.

Submission:

Labcorp Genetics (formerly Invitae), Labcorp
Classification: Uncertain significance for Oligodontia-cancer predisposition syndrome. Last evaluated: 2023-04-07. Review status: criteria provided, single submitter. Criteria: Invitae Variant Classification Sherloc (09022015). Collection method: clinical testing. Allele origin: germline.
Comment: In summary, the available evidence is currently insufficient to determine the role of this variant in disease. Therefore, it has been classified as a Variant of Uncertain Significance. An algorithm developed to predict the effect of missense changes on protein structure and function (PolyPhen-2) suggests that this variant is likely to be disruptive. ClinVar contains an entry for this variant (Variation ID: 1007828). This variant has not been reported in the literature in individuals affected with AXIN2-related conditions. This variant is not present in population databases (gnomAD no frequency). This sequence change replaces glycine, which is neutral and non-polar, with arginine, which is basic and polar, at codon 597 of the AXIN2 protein (p.Gly597Arg).